The following is an entry in ClinVar:

NM_080680.3(COL11A2):c.1119C>T (p.Ala373=)

Gene: COL11A2 (collagen type XI alpha 2 chain; minus strand). Cytogenetic location: 6p21.32.
Variant type: single nucleotide variant.
Coding change: c.1119C>T on transcript NM_080680.3 (MANE Select); coding-DNA position 1119, C replaced by T.
Protein change: p.Ala373=; no amino-acid change (alanine 373 retained).
Molecular consequence: synonymous variant. On other transcripts: intron variant (2).
Genome position (GRCh38, 1-based): chr6:33,184,145, G>A on the plus strand (C>T on the coding strand, the complement: COL11A2 is on the minus strand). VCF-style: chr6-33184145-G-A. GRCh37 (hg19) VCF-style: chr6-33151922-G-A.
Other names: c.798+2482C>T (NM_080679.3); c.861+847C>T (NM_080681.3); c.1119C>T (NM_080680.2).
Identifiers: ClinVar variation 1505003 (VCV001505003.11), dbSNP rs753417704, ClinGen allele CA3751476.
Genomic context (GRCh38, chr6:33,184,145, plus strand): 5'-AAGCAATTCTTGTAGCTCCCACTGGTAGTCAAGAATGAAAGAGAAGCTCCTTTCACTTAC[G>A]GCTCCTGAGTGGGCTGTCTCCGCAGAGAGGGCAGGGCCAAGCTCTGTCTCCTCACGATAA-3'
Protein context (NP_542411.2, residues 363-383): ALSAETAHSG[Ala373=]AAHGPRGLKG

ClinVar aggregate classification (germline): Uncertain significance. Review status: criteria provided, multiple submitters, no conflicts (2 of 4 stars). 3 submissions from 3 submitters: Uncertain significance (2). 1 of the submissions does not count toward it. Last evaluated 2024-12-16.

Conditions:
COL11A2-related disorder. Also called: COL11A2-related condition; COL11A2-related disorders.

Allele frequency attached by ClinVar (database versions not stated): ExAC 0.00001; gnomAD exomes 0.00001; TOPMed 0.00002; gnomAD 0.00003.
gnomAD v4.1: 15 of 1,367,062 alleles (0.0011%); highest among the groups gnomAD compares: Middle Eastern, 0.021%; no homozygotes.

Submissions (3):

GeneDx
Classification: Uncertain significance. Last evaluated: 2024-12-16. Review status: criteria provided, single submitter. Criteria: GeneDx Variant Classification Process June 2021. Collection method: clinical testing. Allele origin: germline.
Comment: In silico analysis indicates that this variant does not alter splicing; Has not been previously published as pathogenic or benign to our knowledge

Labcorp Genetics (formerly Invitae), Labcorp
Classification: Uncertain significance. Last evaluated: 2024-09-17. Review status: criteria provided, single submitter. Criteria: Invitae Variant Classification Sherloc (09022015). Collection method: clinical testing. Allele origin: germline.
Comment: This sequence change affects codon 373 of the COL11A2 mRNA. It is a 'silent' change, meaning that it does not change the encoded amino acid sequence of the COL11A2 protein. It affects a nucleotide within the consensus splice site. This variant is present in population databases (rs753417704, gnomAD 0.002%). This variant has not been reported in the literature in individuals affected with COL11A2-related conditions. ClinVar contains an entry for this variant (Variation ID: 1505003). Algorithms developed to predict the effect of sequence changes on RNA splicing suggest that this variant is not likely to affect RNA splicing. In summary, the available evidence is currently insufficient to determine the role of this variant in disease. Therefore, it has been classified as a Variant of Uncertain Significance.

PreventionGenetics, part of Exact Sciences
Classification: Likely benign for COL11A2-related condition. Last evaluated: 2022-04-29. Review status: no assertion criteria provided. Collection method: clinical testing. Allele origin: germline. Not counted in ClinVar's aggregate classification.
Comment: This variant is classified as likely benign based on ACMG/AMP sequence variant interpretation guidelines (Richards et al. 2015 PMID: 25741868, with internal and published modifications).